The following is an entry in ClinVar:

NM_007294.4(BRCA1):c.775G>A (p.Glu259Lys)

Gene: BRCA1 (BRCA1 DNA repair associated; minus strand). Cytogenetic location: 17q21.31.
Variant type: single nucleotide variant.
Coding change: c.775G>A on transcript NM_007294.4 (MANE Select); coding-DNA position 775, G replaced by A.
Protein change: p.Glu259Lys; replaces glutamic acid 259 with lysine.
Molecular consequence: missense variant. On other transcripts: 5 prime UTR variant (2), intron variant (13).
Genome position (GRCh38, 1-based): chr17:43,094,756, C>T on the plus strand (G>A on the coding strand, the complement: BRCA1 is on the minus strand). VCF-style: chr17-43094756-C-T. GRCh37 (hg19) VCF-style: chr17-41246773-C-T.
Other names: c.652G>A, p.Glu218Lys (NM_001407682.1, NM_001407683.1, NM_001407863.1 and 34 more transcripts); c.511G>A, p.Glu171Lys (NM_001407920.1, NM_001407921.1, NM_001407922.1 and 15 more transcripts); c.649G>A, p.Glu217Lys (NM_001407688.1, NM_001407689.1, NM_001407686.1 and 20 more transcripts); c.775G>A, p.Glu259Lys (NM_001407684.1, NM_001407854.1, NM_001407858.1 and 53 more transcripts); c.634G>A, p.Glu212Lys (NM_001407726.1, NM_001407727.1, NM_001407728.1 and 43 more transcripts); c.631G>A, p.Glu211Lys (NM_001407740.1, NM_001407741.1, NM_001407742.1 and 26 more transcripts); c.562G>A, p.Glu188Lys (NM_001407853.1, NM_001407894.1, NM_001407895.1 and 12 more transcripts); c.772G>A, p.Glu258Lys (NM_001407860.1, NM_001407861.1, NM_001407972.1 and 38 more transcripts); and 20 more; short protein forms E147K, E171K, E188K, E189K, E214K, E218K, E233K, E132K.
Identifiers: ClinVar variation 3481876 (VCV003481876.1).

ClinVar aggregate classification (germline): Uncertain significance (1 of 4 stars; one submission).

Conditions:
Hereditary cancer-predisposing syndrome. Also called: Tumor predisposition; Neoplastic Syndromes, Hereditary; Hereditary Cancer Syndrome; Hereditary neoplastic syndrome. Identifiers: Orphanet 140162, MedGen C0027672, MeSH D009386, MONDO:0015356.

Submission:

Ambry Genetics
Classification: Uncertain significance for Hereditary cancer-predisposing syndrome. Last evaluated: 2024-10-29. Review status: criteria provided, single submitter. Criteria: Ambry Variant Classification Scheme 2023. Collection method: clinical testing. Allele origin: germline.
Comment: The p.E259K variant (also known as c.775G>A), located in coding exon 9 of the BRCA1 gene, results from a G to A substitution at nucleotide position 775. The glutamic acid at codon 259 is replaced by lysine, an amino acid with similar properties. This amino acid position is well conserved in available vertebrate species. In addition, this alteration is predicted to be deleterious by in silico analysis. Based on the available evidence, the clinical significance of this variant remains unclear.